The following is an entry in ClinVar:

ClinVar aggregate classification (germline): Uncertain significance (1 of 4 stars; one submission).

Submission:

Labcorp Genetics (formerly Invitae), Labcorp
Classification: Uncertain significance. Last evaluated: 2025-05-21. Review status: criteria provided, single submitter. Criteria: Invitae Variant Classification Sherloc (09022015). Collection method: clinical testing. Allele origin: germline.
Comment: This sequence change replaces glutamine, which is neutral and polar, with arginine, which is basic and polar, at codon 713 of the C5 protein (p.Gln713Arg). This variant is not present in population databases (gnomAD no frequency). This variant has not been reported in the literature in individuals affected with C5-related conditions. An algorithm developed to predict the effect of missense changes on protein structure and function outputs the following: PolyPhen-2: "Benign". The arginine amino acid residue is found in multiple mammalian species, which suggests that this missense change does not adversely affect protein function. In summary, the available evidence is currently insufficient to determine the role of this variant in disease. Therefore, it has been classified as a Variant of Uncertain Significance.

NM_001735.3(C5):c.2138A>G (p.Gln713Arg)

Gene: C5 (complement C5; minus strand). Cytogenetic location: 9q33.2.
Variant type: single nucleotide variant.
Coding change: c.2138A>G on transcript NM_001735.3 (MANE Select); coding-DNA position 2138, A replaced by G.
Protein change: p.Gln713Arg; replaces glutamine 713 with arginine.
Molecular consequence: missense variant.
Genome position (GRCh38, 1-based): chr9:121,013,992, T>C on the plus strand (A>G on the coding strand, the complement: C5 is on the minus strand). VCF-style: chr9-121013992-T-C. GRCh37 (hg19) VCF-style: chr9-123776270-T-C.
Other names: c.2156A>G, p.Gln719Arg (NM_001317163.2); c.2138A>G, p.Gln713Arg (NM_001317164.2); short protein forms Q713R, Q719R.
Identifiers: ClinVar variation 4797394 (VCV004797394.1).
Genomic context (GRCh38, chr9:121,013,992, plus strand): 5'-ACACAACATTCAGTGAAAGCTTTGATGCATCTTGGCCCTAAACTAATCCGTGCAGCTCGC[T>C]GCTCACAGGTTTCATCATTATTAACGCAGGCTCCATCGTAACAACATTTCTTCACTACTG-3'
Protein context (NP_001726.2, residues 703-723): ACVNNDETCE[Gln713Arg]RAARISLGPR